The following is an entry in ClinVar:

NM_005245.4(FAT1):c.12153A>G (p.Ile4051Met)

Gene: FAT1 (FAT atypical cadherin 1; minus strand). Cytogenetic location: 4q35.2.
Variant type: single nucleotide variant.
Coding change: c.12153A>G on transcript NM_005245.4 (MANE Select); coding-DNA position 12153, A replaced by G.
Protein change: p.Ile4051Met; replaces isoleucine 4051 with methionine.
Molecular consequence: missense variant.
Genome position (GRCh38, 1-based): chr4:186,598,076, T>C on the plus strand (A>G on the coding strand, the complement: FAT1 is on the minus strand). VCF-style: chr4-186598076-T-C. GRCh37 (hg19) VCF-style: chr4-187519230-T-C.
Other names: short protein forms I4051M.
Identifiers: ClinVar variation 1311026 (VCV001311026.3), dbSNP rs561788984, ClinGen allele CA3164925.
Genomic context (GRCh38, chr4:186,598,076, plus strand): 5'-GTTGTCGACAACACACGTGCCCCCATAGAGGCATGGCTTGGAGGAACACGGATTGACGCT[T>C]ATCTCACAGTGGGTCCCTATGTACAAGGCACTGCATTTGCAGTAATAACCTAAATCGGCA-3'
Protein context (NP_005236.2, residues 4041-4061): SALYIGTHCE[Ile4051Met]SVNPCSSKPC

ClinVar aggregate classification (germline): Uncertain significance. Review status: criteria provided, multiple submitters, no conflicts (2 of 4 stars). 2 submissions from 2 submitters: Uncertain significance (2). Last evaluated 2024-08-28.

Conditions:
Inborn genetic diseases. Identifiers: MedGen C0950123, MeSH D030342.

Allele frequency attached by ClinVar (database versions not stated): gnomAD 0.00001 and 0.00006; TOPMed 0.00001; gnomAD exomes 0.00006 and 0.00011; ExAC 0.00012; 1000 Genomes Project 30x 0.00047; 1000 Genomes Project 0.00060.
gnomAD v4.1: 106 of 1,613,848 alleles (0.0066%); highest among the groups gnomAD compares: South Asian, 0.1%; 1 homozygote.

Submissions (2):

Ambry Genetics
Classification: Uncertain significance for Inborn genetic diseases. Last evaluated: 2024-08-28. Review status: criteria provided, single submitter. Criteria: Ambry Variant Classification Scheme 2023. Collection method: clinical testing. Allele origin: germline.

GeneDx
Classification: Uncertain significance. Last evaluated: 2019-12-11. Review status: criteria provided, single submitter. Criteria: GeneDx Variant Classification Process June 2021. Collection method: clinical testing. Allele origin: germline. Affected: yes.
Comment: In silico analysis, which includes protein predictors and evolutionary conservation, supports that this variant does not alter protein structure/function; Has not been previously published as pathogenic or benign to our knowledge